The following is an entry in ClinVar:

NM_030667.3(PTPRO):c.3215A>G (p.Glu1072Gly)

Gene: PTPRO (protein tyrosine phosphatase receptor type O; plus strand). Cytogenetic location: 12p12.3.
Variant type: single nucleotide variant.
Coding change: c.3215A>G on transcript NM_030667.3 (MANE Select); coding-DNA position 3215, A replaced by G.
Protein change: p.Glu1072Gly; replaces glutamic acid 1072 with glycine.
Molecular consequence: missense variant.
Genome position (GRCh38, 1-based): chr12:15,581,761, A>G. VCF-style: chr12-15581761-A-G. GRCh37 (hg19) VCF-style: chr12-15734695-A-G.
Other names: p.Glu1072Gly; c.3131A>G, p.Glu1044Gly (NM_002848.4); c.698A>G, p.Glu233Gly (NM_030668.3, NM_030670.3); c.782A>G, p.Glu261Gly (NM_030669.3, NM_030671.3); short protein forms E1044G, E1072G, E233G, E261G.
Identifiers: ClinVar variation 2683186 (VCV002683186.1), dbSNP rs376692085, ClinGen allele CA6467114.
Genomic context (GRCh38, chr12:15,581,761, plus strand): 5'-CATTCACGGAAGAACCTATAGCCTATGGAGACATCACTGTGGAGATGATTTCAGAGGAAG[A>G]GCAGGACGACTGGGCCTGTAGACACTTCCGGATCAACTATGTAAGTCACCAGGCAGAGAG-3'
Protein context (NP_109592.1, residues 1062-1082): DITVEMISEE[Glu1072Gly]QDDWACRHFR

ClinVar aggregate classification (germline): Uncertain significance (1 of 4 stars; one submission).

Allele frequency attached by ClinVar (database versions not stated): gnomAD exomes below 0.00001; ExAC 0.00001; gnomAD 0.00002; TOPMed 0.00002; ESP Exome Variant Server 0.00008.
gnomAD v4.1: 6 of 1,613,944 alleles (0.00037%); highest among the groups gnomAD compares: African/African-American, 0.0067%; no homozygotes.

Submission:

Mayo Clinic Laboratories, Mayo Clinic
Classification: Uncertain significance. Last evaluated: 2023-04-05. Review status: criteria provided, single submitter. Criteria: ACMG Guidelines, 2015. Collection method: clinical testing. Allele origin: germline. Observed: 1 variant allele.
Comment: BP4, PM2_supporting